The following is an entry in ClinVar:

ClinVar aggregate classification (germline): Uncertain significance (1 of 4 stars; one submission).

Conditions:
Saldino-Mainzer syndrome (SRTD9). Also called: CONORENAL SYNDROME; Renal dysplasia, retinal pigmentary dystrophy, cerebellar ataxia and skeletal dysplasia; SHORT-RIB THORACIC DYSPLASIA 9 WITHOUT POLYDACTYLY; short-rib thoracic dysplasia 9 with or without polydactyly. Identifiers: Orphanet 140969, MedGen C1849437, MONDO:0009964, OMIM 266920.

Submission:

Labcorp Genetics (formerly Invitae), Labcorp
Classification: Uncertain significance for Saldino-Mainzer syndrome. Last evaluated: 2022-05-14. Review status: criteria provided, single submitter. Criteria: Invitae Variant Classification Sherloc (09022015). Collection method: clinical testing. Allele origin: germline.
Comment: In summary, the available evidence is currently insufficient to determine the role of this variant in disease. Therefore, it has been classified as a Variant of Uncertain Significance. Algorithms developed to predict the effect of missense changes on protein structure and function (SIFT, PolyPhen-2, Align-GVGD) all suggest that this variant is likely to be tolerated. This variant has not been reported in the literature in individuals affected with IFT140-related conditions. This variant is not present in population databases (gnomAD no frequency). This sequence change replaces glutamic acid, which is acidic and polar, with aspartic acid, which is acidic and polar, at codon 842 of the IFT140 protein (p.Glu842Asp).

NM_014714.4(IFT140):c.2526G>C (p.Glu842Asp)

Gene: IFT140 (intraflagellar transport 140; minus strand). Cytogenetic location: 16p13.3.
Variant type: single nucleotide variant.
Coding change: c.2526G>C on transcript NM_014714.4 (MANE Select); coding-DNA position 2526, G replaced by C.
Protein change: p.Glu842Asp; replaces glutamic acid 842 with aspartic acid.
Molecular consequence: missense variant.
Genome position (GRCh38, 1-based): chr16:1,526,670, C>G on the plus strand (G>C on the coding strand, the complement: IFT140 is on the minus strand). VCF-style: chr16-1526670-C-G. GRCh37 (hg19) VCF-style: chr16-1576671-C-G.
Other names: short protein forms E842D.
Identifiers: ClinVar variation 1994444 (VCV001994444.4), dbSNP rs2141184599, ClinGen allele CA394228141.